The following is an entry in ClinVar:

ClinVar aggregate classification (germline): Likely pathogenic (1 of 4 stars; one submission).

Conditions:
Neurofibromatosis, type 1 (NF1). Also called: Peripheral type neurofibromatosis; NEUROFIBROMATOSIS, TYPE I, SOMATIC; Neurofibromatosis, type I; VON RECKLINGHAUSEN DISEASE. Identifiers: Orphanet 636, MedGen C0027831, MONDO:0018975, OMIM 162200. Disease mechanism: loss of function.

Allele frequency attached by ClinVar (database versions not stated): gnomAD exomes below 0.00001.
gnomAD v4.1: 2 of 1,607,038 alleles (0.00012%); highest among the groups gnomAD compares: Non-Finnish European, 0.00017%; no homozygotes.

Submission:

Labcorp Genetics (formerly Invitae), Labcorp
Classification: Likely pathogenic for Neurofibromatosis, type 1. Last evaluated: 2023-07-17. Review status: criteria provided, single submitter. Criteria: Invitae Variant Classification Sherloc (09022015). Collection method: clinical testing. Allele origin: germline.
Comment: In summary, the currently available evidence indicates that the variant is pathogenic, but additional data are needed to prove that conclusively. Therefore, this variant has been classified as Likely Pathogenic. Advanced modeling of protein sequence and biophysical properties (such as structural, functional, and spatial information, amino acid conservation, physicochemical variation, residue mobility, and thermodynamic stability) performed at Invitae indicates that this missense variant is expected to disrupt NF1 protein function. This sequence change replaces alanine, which is neutral and non-polar, with glutamic acid, which is acidic and polar, at codon 1589 of the NF1 protein (p.Ala1589Glu). This variant is not present in population databases (gnomAD no frequency). This missense change has been observed in individual(s) with neurofibromatosis, type 1 (PMID: 31573083).

Literature cited by the submitters: PubMed 31573083.

NM_001042492.3(NF1):c.4829C>A (p.Ala1610Glu)

Gene: NF1 (neurofibromin 1; plus strand). Cytogenetic location: 17q11.2.
Variant type: single nucleotide variant.
Coding change: c.4829C>A on transcript NM_001042492.3 (MANE Select); coding-DNA position 4829, C replaced by A.
Protein change: p.Ala1610Glu; replaces alanine 1610 with glutamic acid.
Molecular consequence: missense variant.
Genome position (GRCh38, 1-based): chr17:31,265,333, C>A. VCF-style: chr17-31265333-C-A. GRCh37 (hg19) VCF-style: chr17-29592351-C-A.
Other names: c.4766C>A, p.Ala1589Glu (NM_000267.4); short protein forms A1589E, A1610E.
Identifiers: ClinVar variation 2972856 (VCV002972856.3), dbSNP rs2151470350, ClinGen allele CA399001381.
Genomic context (GRCh38, chr17:31,265,333, plus strand): 5'-TAAGTATTTTCTACCAAGCTGGGACTTCCAAAGCTGGGAATCCTATTTTTTATTATGTTG[C>A]ACGGAGGTAAGAAATACTATGTTTTGGGTCTCTTAACAGAATTTTTTAAATTATAGCAAA-3'
Protein context (NP_001035957.1, residues 1600-1620): KAGNPIFYYV[Ala1610Glu]RRFKTGQING